The following is an entry in ClinVar:

ClinVar aggregate classification (germline): Conflicting classifications of pathogenicity. Review status: criteria provided, conflicting classifications (1 of 4 stars). 3 submissions from 3 submitters: Uncertain significance (2); Likely benign (1). Last evaluated 2025-11-22.

Allele frequency attached by ClinVar (database versions not stated): ESP Exome Variant Server 0.00008; 1000 Genomes Project 30x 0.00016; gnomAD 0.00017 and 0.00019; ExAC 0.00019; 1000 Genomes Project 0.00020; TOPMed 0.00021; gnomAD exomes 0.00024.
gnomAD v4.1: 225 of 1,614,062 alleles (0.014%); highest among the groups gnomAD compares: Admixed American, 0.038%; no homozygotes.

Submissions (3):

Labcorp Genetics (formerly Invitae), Labcorp
Classification: Likely benign. Last evaluated: 2025-11-22. Review status: criteria provided, single submitter. Criteria: Invitae Variant Classification Sherloc (09022015). Collection method: clinical testing. Allele origin: germline.

GeneDx
Classification: Uncertain significance. Last evaluated: 2025-06-23. Review status: criteria provided, single submitter. Criteria: GeneDx Variant Classification Process June 2021. Collection method: clinical testing. Allele origin: germline. Affected: yes.
Comment: Reported with a second variant (phase unknown) in an individual with esophageal atresia and tracheoesophageal fistula in published literature; this individual was also found to harbor a de novo variant in a different gene that may explain the phenotype (PMID: 34472207); In silico analysis suggests that this missense variant does not alter protein structure/function; This variant is associated with the following publications: (PMID: 34472207)

Revvity Omics, Revvity
Classification: Uncertain significance. Last evaluated: 2019-06-06. Review status: criteria provided, single submitter. Criteria: ACMG Guidelines, 2015. Collection method: clinical testing. Allele origin: germline.

NM_005529.7(HSPG2):c.11482G>A (p.Glu3828Lys)

Gene: HSPG2 (heparan sulfate proteoglycan 2; minus strand). Cytogenetic location: 1p36.12.
Variant type: single nucleotide variant.
Coding change: c.11482G>A on transcript NM_005529.7 (MANE Select); coding-DNA position 11482, G replaced by A.
Protein change: p.Glu3828Lys; replaces glutamic acid 3828 with lysine.
Molecular consequence: missense variant.
Genome position (GRCh38, 1-based): chr1:21,831,295, C>T on the plus strand (G>A on the coding strand, the complement: HSPG2 is on the minus strand). VCF-style: chr1-21831295-C-T. GRCh37 (hg19) VCF-style: chr1-22157788-C-T.
Other names: c.11485G>A, p.Glu3829Lys (NM_001291860.2); c.11482G>A (NM_005529.5); short protein forms E3829K, E3828K.
Identifiers: ClinVar variation 1038318 (VCV001038318.10), dbSNP rs200997062, ClinGen allele CA669765.